The following is an entry in ClinVar:

ClinVar aggregate classification (germline): Uncertain significance (1 of 4 stars; one submission).

Conditions:
Hereditary cancer-predisposing syndrome. Also called: Neoplastic Syndromes, Hereditary; Tumor predisposition; Hereditary neoplastic syndrome; Hereditary Cancer Syndrome. Identifiers: Orphanet 140162, MedGen C0027672, MeSH D009386, MONDO:0015356.

Submission:

Ambry Genetics
Classification: Uncertain significance for Hereditary cancer-predisposing syndrome. Last evaluated: 2025-12-16. Review status: criteria provided, single submitter. Criteria: Ambry Variant Classification Scheme 2023. Collection method: clinical testing. Allele origin: germline.
Comment: The p.H142N variant (also known as c.424C>A), located in coding exon 2 of the CDKN2A gene, results from a C to A substitution at nucleotide position 424. The histidine at codon 142 is replaced by asparagine, an amino acid with similar properties. This amino acid position is not well conserved in available vertebrate species. In addition, this alteration is predicted to be tolerated by in silico analysis. Based on the available evidence, the clinical significance of this variant remains unclear.

NM_000077.5(CDKN2A):c.424C>A (p.His142Asn)

Gene: CDKN2A (cyclin dependent kinase inhibitor 2A; minus strand). Cytogenetic location: 9p21.3.
Variant type: single nucleotide variant.
Coding change: c.424C>A on transcript NM_000077.5; coding-DNA position 424, C replaced by A.
Protein change: p.His142Asn; replaces histidine 142 with asparagine.
Molecular consequence: missense variant (on NM_000077.6). On other transcripts: 3 prime UTR variant (2).
Genome position (GRCh38, 1-based): chr9:21,970,935, G>T on the plus strand (C>A on the coding strand, the complement: CDKN2A is on the minus strand). VCF-style: chr9-21970935-G-T. GRCh37 (hg19) VCF-style: chr9-21970934-G-T.
Other names: c.424C>A, p.His142Asn (NM_000077.6, NM_001195132.2); c.271C>A, p.His91Asn (NM_001363763.2); c.*68C>A (NM_058195.4); c.*347C>A (NM_058197.5); short protein forms H91N, H142N.
Identifiers: ClinVar variation 4841941 (VCV004841941.1).
Genomic context (GRCh38, chr9:21,970,935, plus strand): 5'-ACAAATTCTCAGATCATCAGTCCTCACCTGAGGGACCTTCCGCGGCATCTATGCGGGCAT[G>T]GTTACTGCCTCTGGTGCCCCCCGCAGCCGCGCGCAGGTACCGTGCGACATCGCGATGGCC-3'
Protein context (NP_000068.1, residues 132-152): AAAGGTRGSN[His142Asn]ARIDAAEGPS